The following is an entry in ClinVar:

ClinVar aggregate classification (germline): Pathogenic (0 of 4 stars; one submission).

Allele frequency attached by ClinVar (database versions not stated): gnomAD exomes below 0.00001; TOPMed below 0.00001.
gnomAD v4.1: 6 of 1,609,140 alleles (0.00037%); highest among the groups gnomAD compares: Non-Finnish European, 0.00042%; no homozygotes.

Submission:

Leeds Amelogenesis Imperfecta Research Group, University of Leeds
Classification: Pathogenic. Last evaluated: 2023-01-04. Review status: no assertion criteria provided. Collection method: research. Allele origin: unknown. Inheritance: Autosomal recessive inheritance. Affected: yes.
Comment: Analysis with splice prediction tools Splice AI and NetGene2 predicted loss of the donor site, suggesting that some of intron 19 may be retained in the mature transcript. Variant not identified in gnomAD v1.6.

NM_012401.4(PLXNB2):c.3117G>A (p.Thr1039=)

Genes: PLXNB2 (plexin B2; minus strand), LOC126863184 (MED14-independent group 3 enhancer GRCh37_chr22:50720546-50721745; plus strand). Cytogenetic location: 22q13.33.
Variant type: single nucleotide variant.
Coding change: c.3117G>A on transcript NM_012401.4 (MANE Select); coding-DNA position 3117, G replaced by A.
Protein change: p.Thr1039=; no amino-acid change (threonine 1039 retained).
Molecular consequence: synonymous variant.
Genome position (GRCh38, 1-based): chr22:50,282,184, C>T on the plus strand (G>A on the coding strand, the complement: PLXNB2 is on the minus strand). VCF-style: chr22-50282184-C-T. GRCh37 (hg19) VCF-style: chr22-50720613-C-T.
Other names: c.3354G>A, p.Thr1118= (NM_001376864.1); c.3186G>A, p.Thr1062= (NM_001376865.1); c.3117G>A, p.Thr1039= (NM_001376866.1, NM_001376867.1, NM_001376868.1 and 17 more transcripts); c.3024G>A, p.Thr1008= (NM_001376886.1).
Identifiers: ClinVar variation 1895424 (VCV001895424.1), dbSNP rs1234372437, ClinGen allele CA515247480.